The following is an entry in ClinVar:

NM_003737.4(DCHS1):c.5014C>A (p.Arg1672=)

Gene: DCHS1 (dachsous cadherin-related 1; minus strand). Cytogenetic location: 11p15.4.
Variant type: single nucleotide variant.
Coding change: c.5014C>A on transcript NM_003737.4 (MANE Select); coding-DNA position 5014, C replaced by A.
Protein change: p.Arg1672=; no amino-acid change (arginine 1672 retained).
Molecular consequence: synonymous variant.
Genome position (GRCh38, 1-based): chr11:6,629,693, G>T on the plus strand (C>A on the coding strand, the complement: DCHS1 is on the minus strand). VCF-style: chr11-6629693-G-T. GRCh37 (hg19) VCF-style: chr11-6650924-G-T.
Identifiers: ClinVar variation 4997178 (VCV004997178.1).
Genomic context (GRCh38, chr11:6,629,693, plus strand): 5'-CAGTCCATCCCACTCATAATTCACCCCCCCAGGTCTTACCCACGTCGGGGTCGGTTGCTC[G>T]CAGGGTGAGCAGAGATGTGCCAGGAGGGTTGTTCTCACGCAAGAGGACGCTGTACTCCTG-3'
Protein context (NP_003728.1, residues 1662-1682): NPPGTSLLTL[Arg1672=]ATDPDVGANG

ClinVar aggregate classification (germline): Likely benign (1 of 4 stars; one submission).

Conditions:
DCHS1-related disorder. Also called: DCHS1-related condition.

gnomAD v4.1: 11 of 1,613,508 alleles (0.00068%); highest among the groups gnomAD compares: Non-Finnish European, 0.00093%; no homozygotes.

Submission:

PreventionGenetics, part of Exact Sciences
Classification: Likely benign for DCHS1-related condition. Last evaluated: 2026-04-09. Review status: criteria provided, single submitter. Criteria: ACMG Guidelines, 2015. Collection method: clinical testing. Allele origin: germline.
Comment: This variant is classified as likely benign based on ACMG/AMP sequence variant interpretation guidelines (Richards et al. 2015 PMID: 25741868, with internal and published modifications).